The following is an entry in ClinVar:

ClinVar aggregate classification (germline): Uncertain significance. Review status: criteria provided, multiple submitters, no conflicts (2 of 4 stars). 2 submissions from 2 submitters: Uncertain significance (2). Last evaluated 2025-07-07.

Conditions:
Cardiomyopathy (CMYO). Also called: Cardiomyopathies. Identifiers: Orphanet 167848, MedGen C0878544, MONDO:0004994, HP:0001638. Inheritance: Various modes of inheritance.
Catecholaminergic polymorphic ventricular tachycardia 1. Also called: VENTRICULAR TACHYCARDIA, CATECHOLAMINERGIC POLYMORPHIC, 1, WITH OR WITHOUT ATRIAL DYSFUNCTION AND/OR DILATED CARDIOMYOPATHY; VENTRICULAR TACHYCARDIA, STRESS-INDUCED POLYMORPHIC 1; RYR2-Related Catecholaminergic Polymorphic Ventricular Tachycardia. Identifiers: Orphanet 3286, MedGen C1631597, MONDO:0011484, OMIM 604772.

Submissions (2):

Color Diagnostics, LLC DBA Color Health
Classification: Uncertain significance for Cardiomyopathy. Last evaluated: 2025-07-07. Review status: criteria provided, single submitter. Criteria: ACMG Guidelines, 2015. Collection method: clinical testing. Allele origin: germline.
Comment: This missense variant replaces histidine with aspartic acid at codon 1841 of the RYR2 protein. Computational prediction suggests that this variant may not impact protein structure and function. To our knowledge, functional studies have not been reported for this variant. This variant has not been reported in individuals affected with RYR2-related disorders in the literature. This variant has not been identified in the general population by the Genome Aggregation Database (gnomAD). The available evidence is insufficient to determine the role of this variant in disease conclusively. Therefore, this variant is classified as a Variant of Uncertain Significance.

Labcorp Genetics (formerly Invitae), Labcorp
Classification: Uncertain significance for Catecholaminergic polymorphic ventricular tachycardia 1. Last evaluated: 2023-09-29. Review status: criteria provided, single submitter. Criteria: Invitae Variant Classification Sherloc (09022015). Collection method: clinical testing. Allele origin: germline.
Comment: In summary, the available evidence is currently insufficient to determine the role of this variant in disease. Therefore, it has been classified as a Variant of Uncertain Significance. Advanced modeling of protein sequence and biophysical properties (such as structural, functional, and spatial information, amino acid conservation, physicochemical variation, residue mobility, and thermodynamic stability) performed at Invitae indicates that this missense variant is not expected to disrupt RYR2 protein function. ClinVar contains an entry for this variant (Variation ID: 1040329). This variant has not been reported in the literature in individuals affected with RYR2-related conditions. This variant is not present in population databases (gnomAD no frequency). This sequence change replaces histidine, which is basic and polar, with aspartic acid, which is acidic and polar, at codon 1841 of the RYR2 protein (p.His1841Asp).

NM_001035.3(RYR2):c.5521C>G (p.His1841Asp)

Gene: RYR2 (ryanodine receptor 2; plus strand). Cytogenetic location: 1q43.
Variant type: single nucleotide variant.
Coding change: c.5521C>G on transcript NM_001035.3 (MANE Select); coding-DNA position 5521, C replaced by G.
Protein change: p.His1841Asp; replaces histidine 1841 with aspartic acid.
Molecular consequence: missense variant.
Genome position (GRCh38, 1-based): chr1:237,614,649, C>G. VCF-style: chr1-237614649-C-G. GRCh37 (hg19) VCF-style: chr1-237777949-C-G.
Other names: short protein forms H1841D.
Identifiers: ClinVar variation 1040329 (VCV001040329.10), dbSNP rs1678263302, ClinGen allele CA345405207.